The following is an entry in ClinVar:

ClinVar aggregate classification (germline): Benign. Review status: criteria provided, multiple submitters, no conflicts (2 of 4 stars). 5 submissions from 5 submitters: Benign (5). Last evaluated 2026-02-01.

Conditions:
Immunodeficiency 35 (IMD35). Also called: Susceptibility to infection due to TYK2 deficiency; TYK2 DEFICIENCY; HIES WITH ATYPICAL MYCOBACTERIOSIS, AUTOSOMAL RECESSIVE; HYPER-IgE SYNDROME WITH ATYPICAL MYCOBACTERIOSIS, AUTOSOMAL RECESSIVE. Identifiers: Orphanet 331226, MedGen C1969086, MONDO:0012682, OMIM 611521.

Allele frequency attached by ClinVar (database versions not stated): 1000 Genomes Project 0.03594; 1000 Genomes Project 30x 0.03966; TOPMed 0.04531; ESP Exome Variant Server 0.04759.
gnomAD v4.1: 12,256 of 1,613,930 alleles (0.76%); highest among the groups gnomAD compares: African/African-American, 14%; 775 homozygotes.

Submissions (5):

Labcorp Genetics (formerly Invitae), Labcorp
Classification: Benign for Immunodeficiency 35. Last evaluated: 2026-02-01. Review status: criteria provided, single submitter. Criteria: Invitae Variant Classification Sherloc (09022015). Collection method: clinical testing. Allele origin: germline.

Mayo Clinic Laboratories, Mayo Clinic
Classification: Benign. Last evaluated: 2024-10-10. Review status: criteria provided, single submitter. Criteria: ACMG Guidelines, 2015. Collection method: clinical testing. Allele origin: germline. Observed: 3 variant alleles.

Illumina Laboratory Services, Illumina
Classification: Benign for Immunodeficiency 35. Last evaluated: 2018-01-13. Review status: criteria provided, single submitter. Criteria: ICSL Variant Classification Criteria 13 December 2019. Collection method: clinical testing. Allele origin: germline.
Comment: This variant was observed in the ICSL laboratory as part of a predisposition screen in an ostensibly healthy population. It had not been previously curated by ICSL or reported in the Human Gene Mutation Database (HGMD: prior to June 1st, 2018), and was therefore a candidate for classification through an automated scoring system. Utilizing variant allele frequency, disease prevalence and penetrance estimates, and inheritance mode, an automated score was calculated to assess if this variant is too frequent to cause the disease. Based on the score and internal cut-off values, a variant classified as benign is not then subjected to further curation. The score for this variant resulted in a classification of benign for this disease.

GeneDx
Classification: Benign. Last evaluated: 2014-03-11. Review status: criteria provided, single submitter. Criteria: GeneDx Variant Classification (06012015). Collection method: clinical testing. Allele origin: germline. Affected: yes.
Comment: This variant is considered likely benign or benign based on one or more of the following criteria: it is a conservative change, it occurs at a poorly conserved position in the protein, it is predicted to be benign by multiple in silico algorithms, and/or has population frequency not consistent with disease.

Breakthrough Genomics
Classification: Benign. Review status: criteria provided, single submitter. Criteria: ACMG Guidelines, 2015. Collection method: not provided. Allele origin: germline. Inheritance: Autosomal recessive inheritance. Affected: yes.

NM_003331.5(TYK2):c.1774-4G>C

Gene: TYK2 (tyrosine kinase 2; minus strand). Cytogenetic location: 19p13.2.
Variant type: single nucleotide variant.
Coding change: c.1774-4G>C on transcript NM_003331.5 (MANE Select); 4 bases into the intron before coding-DNA position 1774, G replaced by C.
Molecular consequence: intron variant.
Genome position (GRCh38, 1-based): chr19:10,361,959, C>G on the plus strand (G>C on the coding strand, the complement: TYK2 is on the minus strand). VCF-style: chr19-10361959-C-G. GRCh37 (hg19) VCF-style: chr19-10472635-C-G.
Other names: p.?; c.1774-4G>C (LRG_121t1).
Identifiers: ClinVar variation 137866 (VCV000137866.16), dbSNP rs280518, ClinGen allele CA291551.